The following is an entry in ClinVar:

ClinVar aggregate classification (germline): Uncertain significance (1 of 4 stars; one submission).

Submission:

GeneDx
Classification: Uncertain significance. Last evaluated: 2023-07-10. Review status: criteria provided, single submitter. Criteria: GeneDx Variant Classification Process June 2021. Collection method: clinical testing. Allele origin: germline. Affected: yes.
Comment: Not observed at significant frequency in large population cohorts (gnomAD); Frameshift variant predicted to result in protein truncation as the last 38 amino acids are replaced with 6 different amino acids, although loss-of-function variants have not been reported downstream of this position in the protein; Has not been previously published as pathogenic or benign to our knowledge

NM_002024.6(FMR1):c.1784dup (p.Leu595fs)

Gene: FMR1 (fragile X messenger ribonucleoprotein 1; plus strand). Cytogenetic location: Xq27.3.
Variant type: Duplication.
Coding change: c.1784dup on transcript NM_002024.6 (MANE Select); coding-DNA position 1784, one base duplicated (T; older notation c.1784dupT).
Protein change: p.Leu595fs; shifts the reading frame from leucine 595.
Molecular consequence: frameshift variant. On other transcripts: non-coding transcript variant (2).
Genome position (GRCh38, 1-based): chrX:147,948,729, T duplicated; the last of 2 consecutive T bases (chrX:147,948,728-147,948,729); duplicating either gives the same sequence. VCF-style (leftmost placement, unchanged base first): chrX-147948727-A-AT. GRCh37 (hg19) VCF-style: chrX-147030247-A-AT.
Other names: c.1513dup, p.Tyr505fs (NM_001185075.2); c.1721dup, p.Leu574fs (NM_001185076.2); c.1450dup, p.Tyr484fs (NM_001185081.2); c.1646dup, p.Leu549fs (NM_001185082.2); short protein forms L549fs, L574fs, L595fs, Y484fs, Y505fs.
Identifiers: ClinVar variation 3360711 (VCV003360711.1).